The following is an entry in ClinVar:

ClinVar aggregate classification (germline): Uncertain significance. Review status: criteria provided, multiple submitters, no conflicts (2 of 4 stars). 3 submissions from 3 submitters: Uncertain significance (3). Last evaluated 2024-08-27.

Conditions:
FGFR2-related craniosynostosis. Identifiers: MedGen CN231480.

gnomAD v4.1: 23 of 1,614,154 alleles (0.0014%); highest among the groups gnomAD compares: Non-Finnish European, 0.0019%; no homozygotes.

Submissions (3):

Labcorp Genetics (formerly Invitae), Labcorp
Classification: Uncertain significance for FGFR2-related craniosynostosis. Last evaluated: 2024-08-27. Review status: criteria provided, single submitter. Criteria: Invitae Variant Classification Sherloc (09022015). Collection method: clinical testing. Allele origin: germline.
Comment: This sequence change replaces arginine, which is basic and polar, with histidine, which is basic and polar, at codon 6 of the FGFR2 protein (p.Arg6His). This variant is present in population databases (rs3750819, gnomAD 0.0009%). This variant has not been reported in the literature in individuals affected with FGFR2-related conditions. ClinVar contains an entry for this variant (Variation ID: 1316348). An algorithm developed to predict the effect of missense changes on protein structure and function outputs the following: PolyPhen-2: "Benign". The histidine amino acid residue is found in multiple mammalian species, which suggests that this missense change does not adversely affect protein function. In summary, the available evidence is currently insufficient to determine the role of this variant in disease. Therefore, it has been classified as a Variant of Uncertain Significance.

CeGaT Center for Human Genetics Tuebingen
Classification: Uncertain significance. Last evaluated: 2022-12-01. Review status: criteria provided, single submitter. Criteria: CeGaT Center For Human Genetics Tuebingen Variant Classification Criteria Version 2. Collection method: clinical testing. Allele origin: germline. Affected: yes. Observed: 1 variant allele.
Comment: FGFR2: PM2, BP4

GeneDx
Classification: Uncertain significance. Last evaluated: 2019-10-18. Review status: criteria provided, single submitter. Criteria: GeneDx Variant Classification Process June 2021. Collection method: clinical testing. Allele origin: germline. Affected: yes.
Comment: Not observed at a significant frequency in large population cohorts (Lek et al., 2016); In silico analysis, which includes protein predictors and evolutionary conservation, supports that this variant does not alter protein structure/function; Has not been previously published as pathogenic or benign to our knowledge; This variant is associated with the following publications: (PMID: 27072194)

NM_000141.5(FGFR2):c.17G>A (p.Arg6His)

Gene: FGFR2 (fibroblast growth factor receptor 2; minus strand). Cytogenetic location: 10q26.13.
Variant type: single nucleotide variant.
Coding change: c.17G>A on transcript NM_000141.5 (MANE Select); coding-DNA position 17, G replaced by A.
Protein change: p.Arg6His; replaces arginine 6 with histidine.
Molecular consequence: missense variant. On other transcripts: non-coding transcript variant (1).
Genome position (GRCh38, 1-based): chr10:121,593,801, C>T on the plus strand (G>A on the coding strand, the complement: FGFR2 is on the minus strand). VCF-style: chr10-121593801-C-T. GRCh37 (hg19) VCF-style: chr10-123353315-C-T.
Other names: c.17G>A, p.Arg6His (NM_001144913.1, NM_001144914.1, NM_001144915.2 and 7 more transcripts); short protein forms R6H.
Identifiers: ClinVar variation 1316348 (VCV001316348.28), dbSNP rs3750819, ClinGen allele CA5721254.
Genomic context (GRCh38, chr10:121,593,801, plus strand): 5'-CTGAAGGAGGGCCGGGCCAGGGACAAGGTTGCCATGGTGACCACGACCAGGCAGATGAAA[C>T]GACCCCAGCTGACCATGGTTACGGTACCAATCCCCGGTCCTCTTCCATATCTCCATGTGG-3'
Protein context (NP_000132.3, residues 1-16): MVSWG[Arg6His]FICLVVVTMA